The following is an entry in ClinVar:

ClinVar aggregate classification (germline): Uncertain significance (1 of 4 stars; one submission).

Conditions:
Hereditary cancer-predisposing syndrome. Also called: Neoplastic Syndromes, Hereditary; Tumor predisposition; Hereditary neoplastic syndrome; Hereditary Cancer Syndrome. Identifiers: Orphanet 140162, MedGen C0027672, MeSH D009386, MONDO:0015356.

Submission:

Ambry Genetics
Classification: Uncertain significance for Hereditary cancer-predisposing syndrome. Last evaluated: 2025-03-27. Review status: criteria provided, single submitter. Criteria: Ambry Variant Classification Scheme 2023. Collection method: clinical testing. Allele origin: germline.
Comment: The p.S1050P variant (also known as c.3148T>C), located in coding exon 14 of the MET gene, results from a T to C substitution at nucleotide position 3148. The serine at codon 1050 is replaced by proline, an amino acid with similar properties. This amino acid position is conserved. In addition, this alteration is predicted to be deleterious by in silico analysis. Based on the available evidence, the clinical significance of this variant remains unclear.

NM_000245.4(MET):c.3094T>C (p.Ser1032Pro)

Gene: MET (MET proto-oncogene, receptor tyrosine kinase; plus strand). Cytogenetic location: 7q31.2.
Variant type: single nucleotide variant.
Coding change: c.3094T>C on transcript NM_000245.4 (MANE Select); coding-DNA position 3094, T replaced by C.
Protein change: p.Ser1032Pro; replaces serine 1032 with proline.
Molecular consequence: missense variant.
Genome position (GRCh38, 1-based): chr7:116,774,946, T>C. VCF-style: chr7-116774946-T-C. GRCh37 (hg19) VCF-style: chr7-116415000-T-C.
Other names: c.3148T>C, p.Ser1050Pro (NM_001127500.3); c.1804T>C, p.Ser602Pro (NM_001324402.2); short protein forms S1032P, S602P, S1050P.
Identifiers: ClinVar variation 4053926 (VCV004053926.1).